The following is an entry in ClinVar:

NM_031844.3(HNRNPU):c.79del (p.Asp27fs)

Gene: HNRNPU (heterogeneous nuclear ribonucleoprotein U; minus strand). Cytogenetic location: 1q44.
Variant type: Deletion.
Coding change: c.79del on transcript NM_031844.3 (MANE Select); coding-DNA position 79, one base deleted (G; older notation c.79delG).
Protein change: p.Asp27fs; shifts the reading frame from aspartic acid 27.
Molecular consequence: frameshift variant.
Genome position (GRCh38, 1-based): chr1:244,864,229, C deleted on the plus strand (G on the coding strand, the reverse complement: HNRNPU is on the minus strand). VCF-style (leftmost placement, unchanged base first): chr1-244864228-TC-T. GRCh37 (hg19) VCF-style: chr1-245027530-TC-T.
Other names: c.79del, p.Asp27fs (NM_004501.3); short protein forms D27fs.
Identifiers: ClinVar variation 2077563 (VCV002077563.4), dbSNP rs2527896284, ClinGen allele CA2580063547.

ClinVar aggregate classification (germline): Pathogenic (1 of 4 stars; one submission).

Conditions:
Developmental and epileptic encephalopathy, 54. Also called: HNRNPU-Related Neurodevelopmental Disorder; Epileptic encephalopathy, early infantile, 54. Identifiers: MedGen C4479319, MONDO:0033363, OMIM 617391.

Submission:

Labcorp Genetics (formerly Invitae), Labcorp
Classification: Pathogenic for Developmental and epileptic encephalopathy, 54. Last evaluated: 2022-01-07. Review status: criteria provided, single submitter. Criteria: Invitae Variant Classification Sherloc (09022015). Collection method: clinical testing. Allele origin: germline.
Comment: For these reasons, this variant has been classified as Pathogenic. This variant has not been reported in the literature in individuals affected with HNRNPU-related conditions. This variant is not present in population databases (gnomAD no frequency). This sequence change creates a premature translational stop signal (p.Asp27Thrfs*34) in the HNRNPU gene. It is expected to result in an absent or disrupted protein product. Loss-of-function variants in HNRNPU are known to be pathogenic (PMID: 22678713, 28283832).

Literature cited by the submitters: PubMed 22678713; PubMed 28283832.